The following is an entry in ClinVar:

ClinVar aggregate classification (germline): Uncertain significance. Review status: criteria provided, multiple submitters, no conflicts (2 of 4 stars). 2 submissions from 2 submitters: Uncertain significance (2). Last evaluated 2025-08-24.

Conditions:
Inborn genetic diseases. Identifiers: MedGen C0950123, MeSH D030342.

gnomAD v4.1: 2 of 1,613,680 alleles (0.00012%); highest among the groups gnomAD compares: African/African-American, 0.0027%; no homozygotes.

Submissions (2):

Ambry Genetics
Classification: Uncertain significance for Inborn genetic diseases. Last evaluated: 2025-08-24. Review status: criteria provided, single submitter. Criteria: Ambry Variant Classification Scheme 2023. Collection method: clinical testing. Allele origin: germline.

GeneDx
Classification: Uncertain significance. Last evaluated: 2024-04-13. Review status: criteria provided, single submitter. Criteria: GeneDx Variant Classification Process June 2021. Collection method: clinical testing. Allele origin: germline. Affected: yes.
Comment: Not observed at significant frequency in large population cohorts (gnomAD); In silico analysis supports that this missense variant has a deleterious effect on protein structure/function; Has not been previously published as pathogenic or benign to our knowledge

NM_006662.3(SRCAP):c.8936C>T (p.Pro2979Leu)

Gene: SRCAP (Snf2 related CREBBP activator protein; plus strand). Cytogenetic location: 16p11.2.
Variant type: single nucleotide variant.
Coding change: c.8936C>T on transcript NM_006662.3 (MANE Select); coding-DNA position 8936, C replaced by T.
Protein change: p.Pro2979Leu; replaces proline 2979 with leucine.
Molecular consequence: missense variant.
Genome position (GRCh38, 1-based): chr16:30,738,976, C>T. VCF-style: chr16-30738976-C-T. GRCh37 (hg19) VCF-style: chr16-30750297-C-T.
Other names: short protein forms P2979L.
Identifiers: ClinVar variation 3372601 (VCV003372601.2).